The following is an entry in ClinVar:

ClinVar aggregate classification (germline): Uncertain significance (1 of 4 stars; one submission).

Allele frequency attached by ClinVar (database versions not stated): gnomAD exomes below 0.00001.
gnomAD v4.1: 3 of 1,614,118 alleles (0.00019%); highest among the groups gnomAD compares: African/African-American, 0.0013%; no homozygotes.

Submission:

Labcorp Genetics (formerly Invitae), Labcorp
Classification: Uncertain significance. Last evaluated: 2022-01-15. Review status: criteria provided, single submitter. Criteria: Invitae Variant Classification Sherloc (09022015). Collection method: clinical testing. Allele origin: germline.
Comment: This sequence change replaces histidine, which is basic and polar, with arginine, which is basic and polar, at codon 1076 of the LRP2 protein (p.His1076Arg). This variant is present in population databases (no rsID available, gnomAD 0.004%). This variant has not been reported in the literature in individuals affected with LRP2-related conditions. Advanced modeling of protein sequence and biophysical properties (such as structural, functional, and spatial information, amino acid conservation, physicochemical variation, residue mobility, and thermodynamic stability) performed at Invitae indicates that this missense variant is not expected to disrupt LRP2 protein function. In summary, the available evidence is currently insufficient to determine the role of this variant in disease. Therefore, it has been classified as a Variant of Uncertain Significance.

NM_004525.3(LRP2):c.3227A>G (p.His1076Arg)

Gene: LRP2 (LDL receptor related protein 2; minus strand). Cytogenetic location: 2q31.1.
Variant type: single nucleotide variant.
Coding change: c.3227A>G on transcript NM_004525.3 (MANE Select); coding-DNA position 3227, A replaced by G.
Protein change: p.His1076Arg; replaces histidine 1076 with arginine.
Molecular consequence: missense variant.
Genome position (GRCh38, 1-based): chr2:169,244,896, T>C on the plus strand (A>G on the coding strand, the complement: LRP2 is on the minus strand). VCF-style: chr2-169244896-T-C. GRCh37 (hg19) VCF-style: chr2-170101406-T-C.
Other names: short protein forms H1076R.
Identifiers: ClinVar variation 1496576 (VCV001496576.3), dbSNP rs1364949121, ClinGen allele CA349151880.
Genomic context (GRCh38, chr2:169,244,896, plus strand): 5'-CTGCCATCCACACAGTCGTTGCGTTTGTCACAGCGCCAGTGTGCAGGAATGCACTCCCCA[T>C]GGCCACAGGTGAACGCCGAAGATGAACAGGTATTATCTACAATAGTAACAAACTGGTCAT-3'
Protein context (NP_004516.2, residues 1066-1086): TCSSSAFTCG[His1076Arg]GECIPAHWRC